The following is an entry in ClinVar:

NM_032607.3(CREB3L3):c.341A>T (p.His114Leu)

Gene: CREB3L3 (cAMP responsive element binding protein 3 like 3; plus strand). Cytogenetic location: 19p13.3.
Variant type: single nucleotide variant.
Coding change: c.341A>T on transcript NM_032607.3 (MANE Select); coding-DNA position 341, A replaced by T.
Protein change: p.His114Leu; replaces histidine 114 with leucine.
Molecular consequence: missense variant.
Genome position (GRCh38, 1-based): chr19:4,157,179, A>T. VCF-style: chr19-4157179-A-T. GRCh37 (hg19) VCF-style: chr19-4157176-A-T.
Other names: c.338A>T, p.His113Leu (NM_001271995.2); c.341A>T, p.His114Leu (NM_001271996.2, NM_001271997.2); short protein forms H113L, H114L.
Identifiers: ClinVar variation 1494744 (VCV001494744.8), dbSNP rs150887508, ClinGen allele CA403401895.

ClinVar aggregate classification (germline): Uncertain significance (1 of 4 stars; one submission).

gnomAD v4.1: 2 of 1,613,716 alleles (0.00012%); highest among the groups gnomAD compares: African/African-American, 0.0027%; no homozygotes.

Submission:

Labcorp Genetics (formerly Invitae), Labcorp
Classification: Uncertain significance. Last evaluated: 2023-10-13. Review status: criteria provided, single submitter. Criteria: Invitae Variant Classification Sherloc (09022015). Collection method: clinical testing. Allele origin: germline.
Comment: This sequence change replaces histidine, which is basic and polar, with leucine, which is neutral and non-polar, at codon 114 of the CREB3L3 protein (p.His114Leu). This variant is not present in population databases (gnomAD no frequency). This variant has not been reported in the literature in individuals affected with CREB3L3-related conditions. ClinVar contains an entry for this variant (Variation ID: 1494744). Advanced modeling of protein sequence and biophysical properties (such as structural, functional, and spatial information, amino acid conservation, physicochemical variation, residue mobility, and thermodynamic stability) performed at Invitae indicates that this missense variant is not expected to disrupt CREB3L3 protein function. In summary, the available evidence is currently insufficient to determine the role of this variant in disease. Therefore, it has been classified as a Variant of Uncertain Significance.